The following is an entry in ClinVar:

ClinVar aggregate classification (germline): Uncertain significance (1 of 4 stars; one submission).

Conditions:
CHARGE syndrome (CHARGE). Also called: Hittner Hirsch Kreh syndrome; CHARGE ASSOCIATION--COLOBOMA, HEART ANOMALY, CHOANAL ATRESIA, RETARDATION, GENITAL AND EAR ANOMALIES; Coloboma, heart anomaly, choanal atresia, retardation, genital and ear anomalies; CHARGE association; Hall-Hittner syndrome. Identifiers: Orphanet 138, MedGen C0265354, MONDO:0008965.

Submission:

Labcorp Genetics (formerly Invitae), Labcorp
Classification: Uncertain significance for CHARGE syndrome. Last evaluated: 2024-06-04. Review status: criteria provided, single submitter. Criteria: Invitae Variant Classification Sherloc (09022015). Collection method: clinical testing. Allele origin: germline.
Comment: This sequence change replaces cysteine, which is neutral and slightly polar, with tyrosine, which is neutral and polar, at codon 1318 of the CHD7 protein (p.Cys1318Tyr). This variant is not present in population databases (gnomAD no frequency). This variant has not been reported in the literature in individuals affected with CHD7-related conditions. Advanced modeling of protein sequence and biophysical properties (such as structural, functional, and spatial information, amino acid conservation, physicochemical variation, residue mobility, and thermodynamic stability) performed at Invitae indicates that this missense variant is expected to disrupt CHD7 protein function with a positive predictive value of 95%. In summary, the available evidence is currently insufficient to determine the role of this variant in disease. Therefore, it has been classified as a Variant of Uncertain Significance.

NM_017780.4(CHD7):c.3953G>A (p.Cys1318Tyr)

Gene: CHD7 (chromodomain helicase DNA binding protein 7; plus strand). Cytogenetic location: 8q12.2.
Variant type: single nucleotide variant.
Coding change: c.3953G>A on transcript NM_017780.4 (MANE Select); coding-DNA position 3953, G replaced by A.
Protein change: p.Cys1318Tyr; replaces cysteine 1318 with tyrosine.
Molecular consequence: missense variant. On other transcripts: intron variant (1).
Genome position (GRCh38, 1-based): chr8:60,836,247, G>A. VCF-style: chr8-60836247-G-A. GRCh37 (hg19) VCF-style: chr8-61748806-G-A.
Other names: c.1717-25982G>A (NM_001316690.1); short protein forms C1318Y.
Identifiers: ClinVar variation 3655477 (VCV003655477.2).